The following is an entry in ClinVar:

NM_000044.6(AR):c.2666G>T (p.Ser889Ile)

Gene: AR (androgen receptor; plus strand). Cytogenetic location: Xq12.
Variant type: single nucleotide variant.
Coding change: c.2666G>T on transcript NM_000044.6 (MANE Select); coding-DNA position 2666, G replaced by T.
Protein change: p.Ser889Ile; replaces serine 889 with isoleucine.
Molecular consequence: missense variant.
Genome position (GRCh38, 1-based): chrX:67,723,744, G>T. VCF-style: chrX-67723744-G-T. GRCh37 (hg19) VCF-style: chrX-66943586-G-T.
Other names: c.1070G>T, p.Ser357Ile (NM_001011645.3); short protein forms S889I, S357I.
Identifiers: ClinVar variation 2012014 (VCV002012014.4), dbSNP rs2519845288, ClinGen allele CA413428280.

ClinVar aggregate classification (germline): Uncertain significance (1 of 4 stars; one submission).

Conditions:
Androgen resistance syndrome (AIS). Also called: ANDROGEN RECEPTOR DEFICIENCY; DIHYDROTESTOSTERONE RECEPTOR DEFICIENCY; TESTICULAR FEMINIZATION SYNDROME; Androgen insensitivity syndrome due to coactivator deficiency; Androgen insensitivity syndrome; Androgen insensitivity. Identifiers: Orphanet 754, Orphanet 99429, MedGen C0039585, MONDO:0019154, OMIM 300068. Disease mechanism: loss of function.
Kennedy disease (SMAX1). Also called: SPINAL AND BULBAR MUSCULAR ATROPHY, X-LINKED 1; KENNEDY SPINAL AND BULBAR MUSCULAR ATROPHY; Spinal and Bulbar Muscular Atrophy. Identifiers: Orphanet 481, MedGen C1839259, MONDO:0010735, OMIM 313200.

Submission:

Labcorp Genetics (formerly Invitae), Labcorp
Classification: Uncertain significance for Kennedy disease; Androgen resistance syndrome. Last evaluated: 2022-09-01. Review status: criteria provided, single submitter. Criteria: Invitae Variant Classification Sherloc (09022015). Collection method: clinical testing. Allele origin: germline.
Comment: In summary, the available evidence is currently insufficient to determine the role of this variant in disease. Therefore, it has been classified as a Variant of Uncertain Significance. Algorithms developed to predict the effect of sequence changes on RNA splicing suggest that this variant may disrupt the consensus splice site. Algorithms developed to predict the effect of missense changes on protein structure and function are either unavailable or do not agree on the potential impact of this missense change (SIFT: "Deleterious"; PolyPhen-2: "Probably Damaging"; Align-GVGD: "Class C0"). This variant has not been reported in the literature in individuals affected with AR-related conditions. This variant is not present in population databases (gnomAD no frequency). This sequence change replaces serine, which is neutral and polar, with isoleucine, which is neutral and non-polar, at codon 889 of the AR protein (p.Ser889Ile).